The following is an entry in ClinVar:

NM_001317778.2(SFTPC):c.338A>G (p.Tyr113Cys)

Gene: SFTPC (surfactant protein C; plus strand). Cytogenetic location: 8p21.3.
Variant type: single nucleotide variant.
Coding change: c.338A>G on transcript NM_001317778.2 (MANE Select); coding-DNA position 338, A replaced by G.
Protein change: p.Tyr113Cys; replaces tyrosine 113 with cysteine.
Molecular consequence: missense variant.
Genome position (GRCh38, 1-based): chr8:22,163,449, A>G. VCF-style: chr8-22163449-A-G. GRCh37 (hg19) VCF-style: chr8-22020962-A-G.
Other names: c.338A>G, p.Tyr113Cys (NM_001172357.2, NM_001172410.2, NM_001317780.2 and 8 more transcripts); c.179A>G, p.Tyr60Cys (NM_001317779.2, NM_001385660.1); short protein forms Y113C, Y60C.
Identifiers: ClinVar variation 4292549 (VCV004292549.1).

ClinVar aggregate classification (germline): Uncertain significance (1 of 4 stars; one submission).

Conditions:
Surfactant metabolism dysfunction, pulmonary, 2 (SMDP2). Also called: DESQUAMATIVE INTERSTITIAL PNEUMONITIS DUE TO SURFACTANT PROTEIN C DEFICIENCY; INTERSTITIAL LUNG DISEASE DUE TO SURFACTANT PROTEIN C DEFICIENCY; PULMONARY ALVEOLAR PROTEINOSIS, CONGENITAL, 2. Identifiers: Orphanet 440392, MedGen C1970470, MONDO:0024465, OMIM 610913.

Submission:

3billion
Classification: Uncertain significance for Surfactant metabolism dysfunction, pulmonary, 2. Last evaluated: 2024-08-05. Review status: criteria provided, single submitter. Criteria: ACMG Guidelines, 2015. Collection method: clinical testing. Allele origin: germline. Affected: yes.
Comment: The variant is not observed in the gnomAD v4.0.0 dataset. Predicted Consequence/Location: Missense variant In silico tool predictions suggest damaging effect of the variant on gene or gene product [REVEL: 0.68 (>=0.6, sensitivity 0.68 and specificity 0.92); 3Cnet: 0.95 (>=0.6, sensitivity 0.72 and precision 0.9)]. A different missense change at the same codon (p.Tyr113His) has been reported to be associated with SFTPC related disorder (ClinVar ID: VCV001730814 /PMID: 28157837). Therefore, this variant is classified as VUS according to the recommendation of ACMG/AMP guideline.

Literature cited by the submitters: PubMed 28157837.